The following is an entry in ClinVar:

NM_020987.5(ANK3):c.5130T>G (p.His1710Gln)

Gene: ANK3 (ankyrin 3; minus strand). Cytogenetic location: 10q21.2.
Variant type: single nucleotide variant.
Coding change: c.5130T>G on transcript NM_020987.5 (MANE Select); coding-DNA position 5130, T replaced by G.
Protein change: p.His1710Gln; replaces histidine 1710 with glutamine.
Molecular consequence: missense variant. On other transcripts: intron variant (4).
Genome position (GRCh38, 1-based): chr10:60,075,751, A>C on the plus strand (T>G on the coding strand, the complement: ANK3 is on the minus strand). VCF-style: chr10-60075751-A-C. GRCh37 (hg19) VCF-style: chr10-61835509-A-C.
Other names: c.4387+4786T>G (NM_001204403.2); c.4408+4786T>G (NM_001204404.2); c.4405+4786T>G (NM_001320874.2); c.1807+4786T>G (NM_001149.4); short protein forms H1710Q.
Identifiers: ClinVar variation 2071505 (VCV002071505.4), dbSNP rs2492574741, ClinGen allele CA377016173.
Genomic context (GRCh38, chr10:60,075,751, plus strand): 5'-AGTTGAGGATGATGGATATTTTAGAGGGGAAATAGATCCATTGACTAATGCTACCTCTGC[A>C]TGTCCAGGCATCTGCTTCACAGGTGATGAGAGAGAAGATGCCATTGTAATTTTGGCTGAT-3'
Protein context (NP_066267.2, residues 1700-1720): LSSPVKQMPG[His1710Gln]AEVALVNGSI

ClinVar aggregate classification (germline): Uncertain significance (1 of 4 stars; one submission).

Submission:

Labcorp Genetics (formerly Invitae), Labcorp
Classification: Uncertain significance. Last evaluated: 2022-05-25. Review status: criteria provided, single submitter. Criteria: Invitae Variant Classification Sherloc (09022015). Collection method: clinical testing. Allele origin: germline.
Comment: In summary, the available evidence is currently insufficient to determine the role of this variant in disease. Therefore, it has been classified as a Variant of Uncertain Significance. Algorithms developed to predict the effect of missense changes on protein structure and function output the following: SIFT: "Not Available"; PolyPhen-2: "Benign"; Align-GVGD: "Not Available". The glutamine amino acid residue is found in multiple mammalian species, which suggests that this missense change does not adversely affect protein function. This variant has not been reported in the literature in individuals affected with ANK3-related conditions. This variant is not present in population databases (gnomAD no frequency). This sequence change replaces histidine, which is basic and polar, with glutamine, which is neutral and polar, at codon 1710 of the ANK3 protein (p.His1710Gln).